The following is an entry in ClinVar:

NC_000006.11:g.(?_88224131)_(88234390_?)del

Gene: RARS2 (arginyl-tRNA synthetase 2, mitochondrial; minus strand). Cytogenetic location: 6q15.
Variant type: Deletion.
Identifiers: ClinVar variation 3246230 (VCV003246230.1).

ClinVar aggregate classification (germline): Pathogenic (1 of 4 stars; one submission).

Submission:

Labcorp Genetics (formerly Invitae), Labcorp
Classification: Pathogenic. Last evaluated: 2023-06-11. Review status: criteria provided, single submitter. Criteria: Invitae Variant Classification Sherloc (09022015). Collection method: clinical testing. Allele origin: unknown.
Comment: For these reasons, this variant has been classified as Pathogenic. This variant disrupts a region of the RARS2 protein in which other variant(s) (p.Asp515Gly) have been determined to be pathogenic (PMID: 27683254, 34490615; Invitae). This suggests that this is a clinically significant region of the protein, and that variants that disrupt it are likely to be disease-causing. This variant has not been reported in the literature in individuals affected with RARS2-related conditions. This variant is a gross deletion of the genomic region encompassing exon(s) 11-20 of the RARS2 gene, which includes the termination codon. This deletion extends beyond the assayed region for this gene and therefore may encompass additional genes. While this deletion is not anticipated to lead to nonsense mediated decay, it is expected to alter mRNA translation or result in a truncated protein product.

Literature cited by the submitters: PubMed 27683254; PubMed 34490615.